The following is an entry in ClinVar:

NM_001933.5(DLST):c.557C>T (p.Pro186Leu)

Gene: DLST (dihydrolipoamide S-succinyltransferase; plus strand). Cytogenetic location: 14q24.3.
Variant type: single nucleotide variant.
Coding change: c.557C>T on transcript NM_001933.5 (MANE Select); coding-DNA position 557, C replaced by T.
Protein change: p.Pro186Leu; replaces proline 186 with leucine.
Molecular consequence: missense variant. On other transcripts: non-coding transcript variant (2).
Genome position (GRCh38, 1-based): chr14:74,892,948, C>T. VCF-style: chr14-74892948-C-T. GRCh37 (hg19) VCF-style: chr14-75359651-C-T.
Other names: short protein forms P186L.
Identifiers: ClinVar variation 3502463 (VCV003502463.2).

ClinVar aggregate classification (germline): Uncertain significance. Review status: criteria provided, multiple submitters, no conflicts (2 of 4 stars). 2 submissions from 2 submitters: Uncertain significance (2). Last evaluated 2026-07-20.

Conditions:
DLST-related disorder. Also called: DLST-related condition.

gnomAD v4.1: 151 of 1,613,906 alleles (0.0094%); highest among the groups gnomAD compares: Non-Finnish European, 0.012%; 1 homozygote.

Submissions (2):

PreventionGenetics, part of Exact Sciences
Classification: Uncertain significance for DLST-related condition. Last evaluated: 2026-07-20. Review status: criteria provided, single submitter. Criteria: ACMG Guidelines, 2015. Collection method: clinical testing. Allele origin: germline.
Comment: The DLST c.557C>T variant is predicted to result in the amino acid substitution p.Pro186Leu. To our knowledge, this variant has not been reported in the literature. This variant is reported in 0.022% of alleles in individuals of European (Non-Finnish) descent in gnomAD. Although we suspect that this variant may be benign, at this time, the clinical significance of this variant is uncertain due to the absence of conclusive functional and genetic evidence.

Ambry Genetics
Classification: Uncertain significance. Last evaluated: 2024-08-20. Review status: criteria provided, single submitter. Criteria: Ambry Variant Classification Scheme 2023. Collection method: clinical testing. Allele origin: germline.